The following is an entry in ClinVar:

ClinVar aggregate classification (germline): Likely benign. Review status: criteria provided, multiple submitters, no conflicts (2 of 4 stars). 2 submissions from 2 submitters: Likely benign (2). Last evaluated 2026-07-01.

Submissions (2):

CeGaT Center for Human Genetics Tuebingen
Classification: Likely benign. Last evaluated: 2026-07-01. Review status: criteria provided, single submitter. Criteria: CeGaT Center For Human Genetics Tuebingen Variant Classification Criteria Version 2. Collection method: clinical testing. Allele origin: germline. Affected: yes. Observed: 6 variant alleles.
Comment: KMT2C: BP4, BS1

Labcorp Genetics (formerly Invitae), Labcorp
Classification: Likely benign. Last evaluated: 2025-11-13. Review status: criteria provided, single submitter. Criteria: Invitae Variant Classification Sherloc (09022015). Collection method: clinical testing. Allele origin: germline.

NM_170606.3(KMT2C):c.7443-6_7443-5insTTTTTA

Gene: KMT2C (lysine methyltransferase 2C; minus strand). Cytogenetic location: 7q36.1.
Variant type: Insertion.
Coding change: c.7443-6_7443-5insTTTTTA on transcript NM_170606.3 (MANE Select); 6 bases into the intron before coding-DNA position 7443 through 5 bases into the intron before coding-DNA position 7443, TTTTTA inserted.
Molecular consequence: intron variant.
Genome position: GRCh38 VCF-style: chr7-152178015-T-TTAAAAA. GRCh37 (hg19) VCF-style: chr7-151875100-T-TTAAAAA.
Identifiers: ClinVar variation 2051942 (VCV002051942.28), dbSNP rs1491309235, ClinGen allele CA1108780168.